The following is an entry in ClinVar:

ClinVar aggregate classification (germline): Likely benign (1 of 4 stars; one submission).

Allele frequency attached by ClinVar (database versions not stated): gnomAD 0.00003; TOPMed 0.00003; ExAC 0.00006; gnomAD exomes 0.00006; ESP Exome Variant Server 0.00008.
gnomAD v4.1: 94 of 1,613,274 alleles (0.0058%); highest among the groups gnomAD compares: Non-Finnish European, 0.0073%; 1 homozygote.

Submission:

CeGaT Center for Human Genetics Tuebingen
Classification: Likely benign. Last evaluated: 2022-09-01. Review status: criteria provided, single submitter. Criteria: CeGaT Center For Human Genetics Tuebingen Variant Classification Criteria Version 2. Collection method: clinical testing. Allele origin: germline. Affected: yes. Observed: 1 variant allele.
Comment: LRP1: BP4, BP7

NM_002332.3(LRP1):c.9798G>A (p.Thr3266=)

Gene: LRP1 (LDL receptor related protein 1; plus strand). Cytogenetic location: 12q13.3.
Variant type: single nucleotide variant.
Coding change: c.9798G>A on transcript NM_002332.3 (MANE Select); coding-DNA position 9798, G replaced by A.
Protein change: p.Thr3266=; no amino-acid change (threonine 3266 retained).
Molecular consequence: synonymous variant.
Genome position (GRCh38, 1-based): chr12:57,199,333, G>A. VCF-style: chr12-57199333-G-A. GRCh37 (hg19) VCF-style: chr12-57593116-G-A.
Identifiers: ClinVar variation 2643125 (VCV002643125.24), dbSNP rs371123820, ClinGen allele CA6644782.